The following is an entry in ClinVar:

ClinVar aggregate classification (germline): Uncertain significance. Review status: criteria provided, multiple submitters, no conflicts (2 of 4 stars). 2 submissions from 2 submitters: Uncertain significance (2). Last evaluated 2026-07-27.

Conditions:
Hereditary breast ovarian cancer syndrome. Also called: Hereditary breast and ovarian cancer; Hereditary breast and/or ovarian cancer syndrome; Breast and ovarian cancer; Hereditary breast and ovarian cancer syndrome; Hereditary breast and ovarian cancer syndrome (HBOC); BRCA1- and BRCA2-Associated Hereditary Breast and Ovarian Cancer. Identifiers: Orphanet 145, MedGen C0677776, MeSH D061325, MONDO:0003582. Disease mechanism: loss of function.
Hereditary cancer-predisposing syndrome. Also called: Tumor predisposition; Hereditary Cancer Syndrome; Hereditary neoplastic syndrome; Neoplastic Syndromes, Hereditary. Identifiers: Orphanet 140162, MedGen C0027672, MeSH D009386, MONDO:0015356.

Allele frequency attached by ClinVar (database versions not stated): ExAC 0.00002; gnomAD exomes 0.00003; gnomAD 0.00002.
gnomAD v4.1: 21 of 1,611,552 alleles (0.0013%); highest among the groups gnomAD compares: South Asian, 0.023%; 1 homozygote.

Submissions (2):

Ambry Genetics
Classification: Uncertain significance for Hereditary cancer-predisposing syndrome. Last evaluated: 2026-07-27. Review status: criteria provided, single submitter. Criteria: Ambry Variant Classification Scheme 2023. Collection method: clinical testing. Allele origin: germline.
Comment: The p.Q2435E variant (also known as c.7303C>G), located in coding exon 13 of the BRCA2 gene, results from a C to G substitution at nucleotide position 7303. The glutamine at codon 2435 is replaced by glutamic acid, an amino acid with highly similar properties. This amino acid position is not well conserved in available vertebrate species. In addition, this alteration is predicted to be tolerated by in silico analysis. Based on the available evidence, the clinical significance of this variant remains unclear.

Labcorp Genetics (formerly Invitae), Labcorp
Classification: Uncertain significance for Hereditary breast ovarian cancer syndrome. Last evaluated: 2025-08-11. Review status: criteria provided, single submitter. Criteria: Invitae Variant Classification Sherloc (09022015). Collection method: clinical testing. Allele origin: germline.
Comment: This sequence change replaces glutamine, which is neutral and polar, with glutamic acid, which is acidic and polar, at codon 2435 of the BRCA2 protein (p.Gln2435Glu). This variant is present in population databases (rs397507910, gnomAD 0.01%). This variant has not been reported in the literature in individuals affected with BRCA2-related conditions. ClinVar contains an entry for this variant (Variation ID: 2104272). Invitae Evidence Modeling of protein sequence and biophysical properties (such as structural, functional, and spatial information, amino acid conservation, physicochemical variation, residue mobility, and thermodynamic stability) indicates that this missense variant is not expected to disrupt BRCA2 protein function with a negative predictive value of 95%. In summary, the available evidence is currently insufficient to determine the role of this variant in disease. Therefore, it has been classified as a Variant of Uncertain Significance.

NM_000059.4(BRCA2):c.7303C>G (p.Gln2435Glu)

Gene: BRCA2 (BRCA2 DNA repair associated; plus strand). Cytogenetic location: 13q13.1.
Variant type: single nucleotide variant.
Coding change: c.7303C>G on transcript NM_000059.4 (MANE Select); coding-DNA position 7303, C replaced by G.
Protein change: p.Gln2435Glu; replaces glutamine 2435 with glutamic acid.
Molecular consequence: missense variant.
Genome position (GRCh38, 1-based): chr13:32,355,156, C>G. VCF-style: chr13-32355156-C-G. GRCh37 (hg19) VCF-style: chr13-32929293-C-G.
Other names: c.7207C>G, p.Gln2403Glu (NM_001406719.1); c.7303C>G, p.Gln2435Glu (NM_001406720.1); c.2371C>G, p.Gln791Glu (NM_001406721.1); c.886C>G, p.Gln296Glu (NM_001406722.1); short protein forms Q2403E, Q2435E, Q791E, Q296E.
Identifiers: ClinVar variation 2104272 (VCV002104272.5), dbSNP rs397507910, ClinGen allele CA6941077.